The following is an entry in ClinVar:

ClinVar aggregate classification (germline): Uncertain significance (1 of 4 stars; one submission).

gnomAD v4.1: 2 of 1,613,772 alleles (0.00012%); highest among the groups gnomAD compares: East Asian, 0.0022%; no homozygotes.

Submission:

GeneDx
Classification: Uncertain significance. Last evaluated: 2026-03-20. Review status: criteria provided, single submitter. Criteria: GeneDx Variant Classification Process June 2021. Collection method: clinical testing. Allele origin: germline.
Comment: Not observed at significant frequency in large population cohorts (gnomAD); In silico analysis suggests that this missense variant does not alter protein structure/function; Has not been previously published as pathogenic or benign to our knowledge

NM_005909.5(MAP1B):c.3197C>T (p.Thr1066Ile)

Gene: MAP1B (microtubule associated protein 1B; plus strand). Cytogenetic location: 5q13.2.
Variant type: single nucleotide variant.
Coding change: c.3197C>T on transcript NM_005909.5 (MANE Select); coding-DNA position 3197, C replaced by T.
Protein change: p.Thr1066Ile; replaces threonine 1066 with isoleucine.
Molecular consequence: missense variant.
Genome position (GRCh38, 1-based): chr5:72,196,552, C>T. VCF-style: chr5-72196552-C-T. GRCh37 (hg19) VCF-style: chr5-71492379-C-T.
Other names: c.2819C>T, p.Thr940Ile (NM_001324255.2); short protein forms T1066I, T940I.
Identifiers: ClinVar variation 5009488 (VCV005009488.1).